The following is an entry in ClinVar:

NM_007126.5(VCP):c.2214A>G (p.Glu738=)

Gene: VCP (valosin containing protein; minus strand). Cytogenetic location: 9p13.3.
Variant type: single nucleotide variant.
Coding change: c.2214A>G on transcript NM_007126.5 (MANE Select); coding-DNA position 2214, A replaced by G.
Protein change: p.Glu738=; no amino-acid change (glutamic acid 738 retained).
Molecular consequence: synonymous variant.
Genome position (GRCh38, 1-based): chr9:35,057,477, T>C on the plus strand (A>G on the coding strand, the complement: VCP is on the minus strand). VCF-style: chr9-35057477-T-C. GRCh37 (hg19) VCF-style: chr9-35057474-T-C.
Other names: p.Glu738=; c.2079A>G, p.Glu693= (NM_001354927.2, NM_001354928.2).
Identifiers: ClinVar variation 194645 (VCV000194645.25), dbSNP rs374391034, ClinGen allele CA201281.

ClinVar aggregate classification (germline): Benign/Likely benign. Review status: criteria provided, multiple submitters, no conflicts (2 of 4 stars). 8 submissions from 7 submitters: Benign (6); Likely benign (2). Last evaluated 2025-12-15.

Conditions:
Frontotemporal dementia and/or amyotrophic lateral sclerosis 6 (FTDALS6). Also called: VCP-Related Amyotrophic Lateral Sclerosis; VCP-Related Amyotrophic Lateral Sclerosis/Frontotemporal Dementia. Identifiers: Orphanet 275872, Orphanet 803, MedGen C5436279, MONDO:0013501, OMIM 613954.
Inclusion body myopathy with Paget disease of bone and frontotemporal dementia. Also called: Inclusion body myopathy with early-onset Paget disease and frontotemporal dementia. Identifiers: Orphanet 52430, MedGen C1833662, MONDO:0000507.
Inborn genetic diseases. Identifiers: MedGen C0950123, MeSH D030342.
Inclusion body myopathy with Paget disease of bone and frontotemporal dementia type 1. Also called: MULTISYSTEM PROTEINOPATHY 1; Inclusion body myopathy with early-onset Paget disease and frontotemporal dementia 1; Inclusion body myopathy with early-onset Paget disease with or without frontotemporal dementia 1. Identifiers: MedGen C4551951, MONDO:0008178, OMIM 167320.

Allele frequency attached by ClinVar (database versions not stated): gnomAD 0.00002 and 0.00082; TOPMed 0.00010; gnomAD exomes 0.00110 and 0.00223; ExAC 0.00274; 1000 Genomes Project 0.00639; 1000 Genomes Project 30x 0.00703.
gnomAD v4.1: 1,742 of 1,614,042 alleles (0.11%); highest among the groups gnomAD compares: South Asian, 1.8%; 25 homozygotes.

Submissions (8):

Labcorp Genetics (formerly Invitae), Labcorp
Classification: Benign for Inclusion body myopathy with Paget disease of bone and frontotemporal dementia; Frontotemporal dementia and/or amyotrophic lateral sclerosis 6. Last evaluated: 2025-12-15. Review status: criteria provided, single submitter. Criteria: Invitae Variant Classification Sherloc (09022015). Collection method: clinical testing. Allele origin: germline.

Mayo Clinic Laboratories, Mayo Clinic
Classification: Benign. Last evaluated: 2024-12-24. Review status: criteria provided, single submitter. Criteria: ACMG Guidelines, 2015. Collection method: clinical testing. Allele origin: germline. Observed: 4 variant alleles.
Comment: BS1, BS2, BP4, BP7

GeneDx
Classification: Likely benign. Last evaluated: 2020-10-25. Review status: criteria provided, single submitter. Criteria: GeneDx Variant Classification Process June 2021. Collection method: clinical testing. Allele origin: germline. Affected: yes.

Ambry Genetics
Classification: Likely benign for Inborn genetic diseases. Last evaluated: 2019-07-11. Review status: criteria provided, single submitter. Criteria: Ambry Variant Classification Scheme 2023. Collection method: clinical testing. Allele origin: germline.

Athena Diagnostics
Classification: Benign. Last evaluated: 2018-12-29. Review status: criteria provided, single submitter. Criteria: Athena Diagnostics Criteria. Collection method: clinical testing. Allele origin: germline.

Illumina Laboratory Services, Illumina
Classification: Benign for Inclusion body myopathy with Paget disease of bone and frontotemporal dementia type 1. Last evaluated: 2018-01-12. Review status: criteria provided, single submitter. Criteria: ICSL Variant Classification Criteria 13 December 2019. Collection method: clinical testing. Allele origin: germline.
Comment: This variant was observed in the ICSL laboratory as part of a predisposition screen in an ostensibly healthy population. It had not been previously curated by ICSL or reported in the Human Gene Mutation Database (HGMD: prior to June 1st, 2018), and was therefore a candidate for classification through an automated scoring system. Utilizing variant allele frequency, disease prevalence and penetrance estimates, and inheritance mode, an automated score was calculated to assess if this variant is too frequent to cause the disease. Based on the score and internal cut-off values, a variant classified as benign is not then subjected to further curation. The score for this variant resulted in a classification of benign for this disease.

Illumina Laboratory Services, Illumina
Classification: Benign for Frontotemporal dementia and/or amyotrophic lateral sclerosis 6. Last evaluated: 2018-01-12. Review status: criteria provided, single submitter. Criteria: ICSL Variant Classification Criteria 13 December 2019. Collection method: clinical testing. Allele origin: germline.
Comment: the same text as in the submission from Illumina Laboratory Services, Illumina above.

Eurofins Ntd Llc (ga)
Classification: Benign. Last evaluated: 2015-03-06. Review status: criteria provided, single submitter. Criteria: EGL Classification Definitions 2015. Collection method: clinical testing. Allele origin: germline. Observed: 1 variant allele, 1 heterozygote.